The following is an entry in ClinVar:

NM_000484.4(APP):c.210G>T (p.Leu70=)

Gene: APP (amyloid beta precursor protein; minus strand). Cytogenetic location: 21q21.3.
Variant type: single nucleotide variant.
Coding change: c.210G>T on transcript NM_000484.4 (MANE Select); coding-DNA position 210, G replaced by T.
Protein change: p.Leu70=; no amino-acid change (leucine 70 retained).
Molecular consequence: synonymous variant. On other transcripts: intron variant (2).
Genome position (GRCh38, 1-based): chr21:26,111,994, C>A on the plus strand (G>T on the coding strand, the complement: APP is on the minus strand). VCF-style: chr21-26111994-C-A. GRCh37 (hg19) VCF-style: chr21-27484311-C-A.
Other names: c.195G>T, p.Leu65= (NM_001136016.3); c.105G>T, p.Leu35= (NM_001136131.3); c.210G>T, p.Leu70= (NM_001204301.2, NM_001204302.2, NM_001204303.2 and 3 more transcripts); c.58-21922G>T (NM_001136129.3, NM_001136130.3).
Identifiers: ClinVar variation 3054701 (VCV003054701.2), dbSNP rs1434612731, ClinGen allele CA511879894.

ClinVar aggregate classification (germline): Likely benign (0 of 4 stars; one submission).

Conditions:
APP-related disorder. Also called: APP-related condition.

Allele frequency attached by ClinVar (database versions not stated): gnomAD 0.00001; gnomAD exomes 0.00001.
gnomAD v4.1: 8 of 1,613,938 alleles (0.0005%); highest among the groups gnomAD compares: Non-Finnish European, 0.00068%; no homozygotes.

Submission:

PreventionGenetics, part of Exact Sciences
Classification: Likely benign for APP-related condition. Last evaluated: 2024-02-06. Review status: no assertion criteria provided. Collection method: clinical testing. Allele origin: germline.
Comment: This variant is classified as likely benign based on ACMG/AMP sequence variant interpretation guidelines (Richards et al. 2015 PMID: 25741868, with internal and published modifications).